The following is an entry in ClinVar:

ClinVar aggregate classification (germline): Uncertain significance (1 of 4 stars; one submission).

Conditions:
Hereditary cancer-predisposing syndrome. Also called: Hereditary Cancer Syndrome; Hereditary neoplastic syndrome; Neoplastic Syndromes, Hereditary; Tumor predisposition. Identifiers: Orphanet 140162, MedGen C0027672, MeSH D009386, MONDO:0015356.

Submission:

Ambry Genetics
Classification: Uncertain significance for Hereditary cancer-predisposing syndrome. Last evaluated: 2018-03-22. Review status: criteria provided, single submitter. Criteria: Ambry Variant Classification Scheme 2023. Collection method: clinical testing. Allele origin: germline.
Comment: The p.L323R variant (also known as c.968T>G), located in coding exon 9 of the PMS2 gene, results from a T to G substitution at nucleotide position 968. The leucine at codon 323 is replaced by arginine, an amino acid with dissimilar properties. This amino acid position is highly conserved in available vertebrate species. In addition, this alteration is predicted to be deleterious by in silico analysis. Since supporting evidence is limited at this time, the clinical significance of this alteration remains unclear.

NM_000535.7(PMS2):c.968T>G (p.Leu323Arg)

Gene: PMS2 (PMS1 homolog 2, mismatch repair system component; minus strand). Cytogenetic location: 7p22.1.
Variant type: single nucleotide variant.
Coding change: c.968T>G on transcript NM_000535.7 (MANE Select); coding-DNA position 968, T replaced by G.
Protein change: p.Leu323Arg; replaces leucine 323 with arginine.
Molecular consequence: missense variant. On other transcripts: non-coding transcript variant (1).
Genome position (GRCh38, 1-based): chr7:5,991,993, A>C on the plus strand (T>G on the coding strand, the complement: PMS2 is on the minus strand). VCF-style: chr7-5991993-A-C. GRCh37 (hg19) VCF-style: chr7-6031624-A-C.
Other names: c.563T>G, p.Leu188Arg (NM_001018040.1, NM_001322003.2, NM_001322004.2 and 20 more transcripts); c.968T>G, p.Leu323Arg (NM_001322006.2, NM_001322014.2, NM_001406870.1 and 2 more transcripts); c.650T>G, p.Leu217Arg (NM_001322007.2, NM_001322008.2, NM_001406876.1 and 4 more transcripts); c.35T>G, p.Leu12Arg (NM_001322011.2, NM_001322012.2); c.395T>G, p.Leu132Arg (NM_001322013.2, NM_001406909.1); c.659T>G, p.Leu220Arg (NM_001322015.2, NM_001406875.1, NM_001406877.1 and 6 more transcripts); c.1154T>G, p.Leu385Arg (NM_001406866.1); c.992T>G, p.Leu331Arg (NM_001406868.1); and 7 more; short protein forms L12R, L217R, L132R, L152R, L201R, L220R, L257R, L323R.
Identifiers: ClinVar variation 1767802 (VCV001767802.2), dbSNP rs2128755275, ClinGen allele CA366743096.